The following is an entry in ClinVar:

NM_001042492.3(NF1):c.2810T>A (p.Leu937Ter)

Gene: NF1 (neurofibromin 1; plus strand). Cytogenetic location: 17q11.2.
Variant type: single nucleotide variant.
Coding change: c.2810T>A on transcript NM_001042492.3 (MANE Select); coding-DNA position 2810, T replaced by A.
Protein change: p.Leu937Ter; replaces leucine 937 with a stop codon.
Molecular consequence: nonsense.
Genome position (GRCh38, 1-based): chr17:31,229,425, T>A. VCF-style: chr17-31229425-T-A. GRCh37 (hg19) VCF-style: chr17-29556443-T-A.
Other names: c.2810T>A, p.Leu937Ter (NM_000267.4); short protein forms L937*.
Identifiers: ClinVar variation 834980 (VCV000834980.7), dbSNP rs1567849184, ClinGen allele CA398985739.
Genomic context (GRCh38, chr17:31,229,425, plus strand): 5'-TTAAGGATCTGGTGGGTCTAGAATTGAGTCCTGCTCTGTATCCAATGCTATTTAACAAAT[T>A]GAAGAATACCATCAGCAAGTTTTTTGACTCCCAAGGACAGGTAAAGTGTTCTCTTATTTT-3'

ClinVar aggregate classification (germline): Pathogenic. Review status: criteria provided, multiple submitters, no conflicts (2 of 4 stars). 2 submissions from 2 submitters: Pathogenic (2). Last evaluated 2024-01-03.

Conditions:
Neurofibromatosis, type 1 (NF1). Also called: Peripheral type neurofibromatosis; Neurofibromatosis, type I; VON RECKLINGHAUSEN DISEASE; NEUROFIBROMATOSIS, TYPE I, SOMATIC. Identifiers: Orphanet 636, MedGen C0027831, MONDO:0018975, OMIM 162200. Disease mechanism: loss of function.

Submissions (2):

GeneDx
Classification: Pathogenic. Last evaluated: 2024-01-03. Review status: criteria provided, single submitter. Criteria: GeneDx Variant Classification Process June 2021. Collection method: clinical testing. Allele origin: germline. Affected: yes.
Comment: Nonsense variant predicted to result in protein truncation or nonsense mediated decay in a gene for which loss of function is a known mechanism of disease; Not observed at significant frequency in large population cohorts (gnomAD); This variant is associated with the following publications: (PMID: 21520333, 36612057, 32575496)

Labcorp Genetics (formerly Invitae), Labcorp
Classification: Pathogenic for Neurofibromatosis, type 1. Last evaluated: 2021-11-17. Review status: criteria provided, single submitter. Criteria: Invitae Variant Classification Sherloc (09022015). Collection method: clinical testing. Allele origin: germline.
Comment: For these reasons, this variant has been classified as Pathogenic. Algorithms developed to predict the effect of sequence changes on RNA splicing suggest that this variant may create or strengthen a splice site. ClinVar contains an entry for this variant (Variation ID: 834980). This premature translational stop signal has been observed in individual(s) with clinical features of NF1 (PMID: 21520333, 32575496). This variant is not present in population databases (gnomAD no frequency). This sequence change creates a premature translational stop signal (p.Leu937*) in the NF1 gene. It is expected to result in an absent or disrupted protein product. Loss-of-function variants in NF1 are known to be pathogenic (PMID: 10712197, 23913538).

Literature cited by the submitters: PubMed 21520333 (cited by Labcorp Genetics (formerly Invitae), Labcorp); PubMed 32575496 (cited by Labcorp Genetics (formerly Invitae), Labcorp); PubMed 10712197 (cited by Labcorp Genetics (formerly Invitae), Labcorp); PubMed 23913538 (cited by Labcorp Genetics (formerly Invitae), Labcorp).